The following is an entry in ClinVar:

NM_002024.6(FMR1):c.569G>A (p.Arg190Gln)

Gene: FMR1 (fragile X messenger ribonucleoprotein 1; plus strand). Cytogenetic location: Xq27.3.
Variant type: single nucleotide variant.
Coding change: c.569G>A on transcript NM_002024.6 (MANE Select); coding-DNA position 569, G replaced by A.
Protein change: p.Arg190Gln; replaces arginine 190 with glutamine.
Molecular consequence: missense variant. On other transcripts: non-coding transcript variant (2).
Genome position (GRCh38, 1-based): chrX:147,930,183, G>A. VCF-style: chrX-147930183-G-A. GRCh37 (hg19) VCF-style: chrX-147011702-G-A.
Other names: c.569G>A, p.Arg190Gln (NM_001185075.2, NM_001185076.2, NM_001185081.2 and 1 more transcripts); short protein forms R190Q.
Identifiers: ClinVar variation 3384564 (VCV003384564.1).

ClinVar aggregate classification (germline): Uncertain significance (1 of 4 stars; one submission).

gnomAD v4.1: 1 of 1,209,041 alleles (0.000083%); highest among the groups gnomAD compares: Non-Finnish European, 0.00011%; no homozygotes.

Submission:

GeneDx
Classification: Uncertain significance. Last evaluated: 2024-06-01. Review status: criteria provided, single submitter. Criteria: GeneDx Variant Classification Process June 2021. Collection method: clinical testing. Allele origin: germline. Affected: yes.
Comment: Not observed at significant frequency in large population cohorts (gnomAD); In silico analysis supports that this missense variant has a deleterious effect on protein structure/function; Has not been previously published as pathogenic or benign to our knowledge